The following is an entry in ClinVar:

ClinVar aggregate classification (germline): Conflicting classifications of pathogenicity. Review status: criteria provided, conflicting classifications (1 of 4 stars). 3 submissions from 3 submitters: Uncertain significance (1); Likely benign (1). 1 of the submissions does not count toward it. Last evaluated 2022-08-02.

Conditions:
Inborn genetic diseases. Identifiers: MedGen C0950123, MeSH D030342.
PKD1-related disorder. Also called: PKD1-related condition.

Allele frequency attached by ClinVar (database versions not stated): gnomAD 0.00001; TOPMed 0.00007; gnomAD exomes 0.00014 and 0.00032; ExAC 0.00018; 1000 Genomes Project 0.00020; 1000 Genomes Project 30x 0.00031.
gnomAD v4.1: 85 of 1,597,588 alleles (0.0053%); highest among the groups gnomAD compares: Admixed American, 0.14%; no homozygotes.

Submissions (3):

Ambry Genetics
Classification: Uncertain significance for Inborn genetic diseases. Last evaluated: 2022-08-02. Review status: criteria provided, single submitter. Criteria: Ambry Variant Classification Scheme 2023. Collection method: clinical testing. Allele origin: germline.

Athena Diagnostics
Classification: Likely benign. Last evaluated: 2019-06-27. Review status: criteria provided, single submitter. Criteria: Athena Diagnostics Criteria. Collection method: clinical testing. Allele origin: germline.

PreventionGenetics, part of Exact Sciences
Classification: Likely benign for PKD1-related condition. Last evaluated: 2020-02-24. Review status: no assertion criteria provided. Collection method: clinical testing. Allele origin: germline. Not counted in ClinVar's aggregate classification.
Comment: This variant is classified as likely benign based on ACMG/AMP sequence variant interpretation guidelines (Richards et al. 2015 PMID: 25741868, with internal and published modifications).

NM_001009944.3(PKD1):c.3148G>A (p.Glu1050Lys)

Gene: PKD1 (polycystin 1, transient receptor potential channel interacting; minus strand). Cytogenetic location: 16p13.3.
Variant type: single nucleotide variant.
Coding change: c.3148G>A on transcript NM_001009944.3 (MANE Select); coding-DNA position 3148, G replaced by A.
Protein change: p.Glu1050Lys; replaces glutamic acid 1050 with lysine.
Molecular consequence: missense variant.
Genome position (GRCh38, 1-based): chr16:2,112,801, C>T on the plus strand (G>A on the coding strand, the complement: PKD1 is on the minus strand). VCF-style: chr16-2112801-C-T. GRCh37 (hg19) VCF-style: chr16-2162802-C-T.
Other names: c.3148G>A, p.Glu1050Lys (NM_000296.4); c.3148G>A (NM_001009944.2); short protein forms E1050K.
Identifiers: ClinVar variation 805159 (VCV000805159.6), dbSNP rs572950870, ClinGen allele CA7832931.